The following is an entry in ClinVar:

ClinVar aggregate classification (germline): Pathogenic (1 of 4 stars; one submission).

Conditions:
Familial thoracic aortic aneurysm and aortic dissection (TAAD). Also called: Thoracic aortic aneurysms and dissections. Identifiers: Orphanet 91387, MedGen C4707243, MONDO:0019625.

Submission:

Ambry Genetics
Classification: Pathogenic for Familial thoracic aortic aneurysm and aortic dissection. Last evaluated: 2015-03-26. Review status: criteria provided, single submitter. Criteria: Ambry Variant Classification Scheme 2023. Collection method: clinical testing. Allele origin: germline.
Comment: The c.3082+1G>C intronic variant results from a G to C substitution one nucleotide after coding exon 24 of the FBN1 gene. Another splicing pathogenic mutation has been described at the same nucleotide position (c.3082+1G>T). Using the BDGP and ESEfinder splice site prediction tools, this alteration is predicted to abolish the native donor splice site; however, direct evidence is unavailable. In addition to the clinical data presented in the literature, since alterations that disrupt the canonical splice donor site are typically deleterious in nature, this alteration is interpreted as a disease-causing mutation (ACMG Recommendations for Standards for Interpretation and Reporting of Sequence Variations. Revision 2007. Genet Med. 2008;10:294).

Literature cited by the submitters: PubMed 11175294.

NM_000138.5(FBN1):c.3082+1G>C

Gene: FBN1 (fibrillin 1; minus strand). Cytogenetic location: 15q21.1.
Variant type: single nucleotide variant.
Coding change: c.3082+1G>C on transcript NM_000138.5 (MANE Select); the canonical splice donor site of the intron after coding-DNA position 3082, G replaced by C.
Molecular consequence: splice donor variant.
Genome position (GRCh38, 1-based): chr15:48,489,850, C>G on the plus strand (G>C on the coding strand, the complement: FBN1 is on the minus strand). VCF-style: chr15-48489850-C-G. GRCh37 (hg19) VCF-style: chr15-48782047-C-G.
Other names: c.3082+1G>C (NM_001406716.1).
Identifiers: ClinVar variation 263975 (VCV000263975.5), dbSNP rs886038996, ClinGen allele CA10587838.